The following is an entry in ClinVar:

NM_014159.7(SETD2):c.71+2594G>A

Gene: SETD2 (SET domain containing 2, histone lysine methyltransferase; minus strand). Cytogenetic location: 3p21.31.
Variant type: single nucleotide variant.
Coding change: c.71+2594G>A on transcript NM_014159.7 (MANE Select); 2594 bases into the intron after coding-DNA position 71, G replaced by A.
Molecular consequence: intron variant.
Genome position (GRCh38, 1-based): chr3:47,161,260, C>T on the plus strand (G>A on the coding strand, the complement: SETD2 is on the minus strand). VCF-style: chr3-47161260-C-T. GRCh37 (hg19) VCF-style: chr3-47202750-C-T.
Other names: c.-46+2594G>A (NM_001349370.3).
Identifiers: ClinVar variation 4294056 (VCV004294056.1).

ClinVar aggregate classification (germline): Uncertain significance (1 of 4 stars; one submission).

Conditions:
Luscan-Lumish syndrome. Identifiers: Orphanet 597738, MedGen C4085873, MONDO:0014791, OMIM 616831.

Submission:

3billion
Classification: Uncertain significance for Luscan-Lumish syndrome. Last evaluated: 2025-01-20. Review status: criteria provided, single submitter. Criteria: ACMG Guidelines, 2015. Collection method: clinical testing. Allele origin: germline. Affected: yes.
Comment: The variant is not observed in the gnomAD v4.1.0 dataset. Predicted Consequence/Location: Intron variant In silico tools predict the variant to alter splicing and produce an abnormal transcript [SpliceAI: 0.29 (>=0.2, moderate evidence for spliceogenicity)]. Therefore, this variant is classified as VUS according to the recommendation of ACMG/AMP guideline.